The following is an entry in ClinVar:

ClinVar aggregate classification (germline): Pathogenic (1 of 4 stars; one submission).

Submission:

GeneDx
Classification: Pathogenic. Last evaluated: 2024-02-26. Review status: criteria provided, single submitter. Criteria: GeneDx Variant Classification Process June 2021. Collection method: clinical testing. Allele origin: germline. Affected: yes.
Comment: Not observed at significant frequency in large population cohorts (gnomAD); Nonsense variant predicted to result in protein truncation or nonsense mediated decay in a gene for which loss of function is a known mechanism of disease; This variant is associated with the following publications: (PMID: 35982160, 35982159, 28191890, 31785789, 28575650, 25326669, 28714951, 25363768, 23160955, 31981491)

NM_001904.4(CTNNB1):c.1512G>A (p.Trp504Ter)

Genes: CTNNB1 (catenin beta 1; plus strand), LOC126806659 (BRD4-independent group 4 enhancer GRCh37_chr3:41274918-41276117; plus strand). Cytogenetic location: 3p22.1.
Variant type: single nucleotide variant.
Coding change: c.1512G>A on transcript NM_001904.4 (MANE Select); coding-DNA position 1512, G replaced by A.
Protein change: p.Trp504Ter; replaces tryptophan 504 with a stop codon.
Molecular consequence: nonsense.
Genome position (GRCh38, 1-based): chr3:41,233,855, G>A. VCF-style: chr3-41233855-G-A. GRCh37 (hg19) VCF-style: chr3-41275346-G-A.
Other names: c.1512G>A, p.Trp504Ter (NM_001098209.2, NM_001098210.2); c.1491G>A, p.Trp497Ter (NM_001330729.2); short protein forms W497*, W504*.
Identifiers: ClinVar variation 3338877 (VCV003338877.1).